The following is an entry in ClinVar:

NM_004990.4(MARS1):c.226G>A (p.Glu76Lys)

Gene: MARS1 (methionyl-tRNA synthetase 1; plus strand). Cytogenetic location: 12q13.3.
Variant type: single nucleotide variant.
Coding change: c.226G>A on transcript NM_004990.4 (MANE Select); coding-DNA position 226, G replaced by A.
Protein change: p.Glu76Lys; replaces glutamic acid 76 with lysine.
Molecular consequence: missense variant.
Genome position (GRCh38, 1-based): chr12:57,489,292, G>A. VCF-style: chr12-57489292-G-A. GRCh37 (hg19) VCF-style: chr12-57883075-G-A.
Other names: short protein forms E76K.
Identifiers: ClinVar variation 4785727 (VCV004785727.1).

ClinVar aggregate classification (germline): Uncertain significance (1 of 4 stars; one submission).

Conditions:
Severe early-onset pulmonary alveolar proteinosis due to MARS deficiency. Also called: PULMONARY ALVEOLAR PROTEINOSIS, REUNION ISLAND; Interstitial lung and liver disease. Identifiers: Orphanet 440427, MedGen C4225400, MONDO:0014206, OMIM 615486.
Charcot-Marie-Tooth disease axonal type 2U. Also called: CHARCOT-MARIE-TOOTH NEUROPATHY, TYPE 2U; CHARCOT-MARIE-TOOTH DISEASE, AXONAL, AUTOSOMAL DOMINANT, TYPE 2U. Identifiers: Orphanet 397735, MedGen C4084821, MONDO:0014566, OMIM 616280.

Submission:

Labcorp Genetics (formerly Invitae), Labcorp
Classification: Uncertain significance for Charcot-Marie-Tooth disease axonal type 2U; Severe early-onset pulmonary alveolar proteinosis due to MARS deficiency. Last evaluated: 2025-07-30. Review status: criteria provided, single submitter. Criteria: Invitae Variant Classification Sherloc (09022015). Collection method: clinical testing. Allele origin: germline.
Comment: This sequence change replaces glutamic acid, which is acidic and polar, with lysine, which is basic and polar, at codon 76 of the MARS protein (p.Glu76Lys). This variant is not present in population databases (gnomAD no frequency). This variant has not been reported in the literature in individuals affected with MARS-related conditions. An algorithm developed to predict the effect of missense changes on protein structure and function (PolyPhen-2) suggests that this variant is likely to be tolerated. In summary, the available evidence is currently insufficient to determine the role of this variant in disease. Therefore, it has been classified as a Variant of Uncertain Significance.